The following is an entry in ClinVar:

NM_007294.4(BRCA1):c.671-178G>A

Gene: BRCA1 (BRCA1 DNA repair associated; minus strand). Cytogenetic location: 17q21.31.
Variant type: single nucleotide variant.
Coding change: c.671-178G>A on transcript NM_007294.4 (MANE Select); 178 bases into the intron before coding-DNA position 671, G replaced by A.
Molecular consequence: intron variant.
Genome position (GRCh38, 1-based): chr17:43,095,038, C>T on the plus strand (G>A on the coding strand, the complement: BRCA1 is on the minus strand). VCF-style: chr17-43095038-C-T. GRCh37 (hg19) VCF-style: chr17-41247055-C-T.
Other names: IVS 10-178G>A; c.545-178G>A (NM_001407688.1, NM_001407940.1, NM_001407671.1 and 20 more transcripts); c.668-178G>A (NM_001408401.1, NM_001408396.1, NM_001407985.1 and 38 more transcripts); c.548-4006G>A (NM_001408494.1); c.548-178G>A (NM_001408444.1, NM_001408438.1, NM_001408430.1 and 34 more transcripts); c.670+808G>A (NM_001408423.1, NM_001408420.1, NM_001408419.1 and 2 more transcripts); c.671-178G>A (NM_001408404.1, NM_001408472.1, NM_001407990.1 and 53 more transcripts); c.461-178G>A (NM_001408492.1, NM_001407889.1, NM_001408513.1 and 25 more transcripts); and 21 more.
Identifiers: ClinVar variation 209444 (VCV000209444.5), dbSNP rs8176151, ClinGen allele CA276416.

ClinVar aggregate classification (germline): Benign. Review status: reviewed by expert panel (3 of 4 stars). 4 submissions from 4 submitters: Benign (1). 3 of the submissions do not count toward it. Last evaluated 2015-01-12.

Conditions:
Hereditary cancer-predisposing syndrome. Also called: Tumor predisposition; Hereditary Cancer Syndrome; Neoplastic Syndromes, Hereditary; Hereditary neoplastic syndrome. Identifiers: Orphanet 140162, MedGen C0027672, MeSH D009386, MONDO:0015356.
Breast-ovarian cancer, familial, susceptibility to, 1 (BROVCA1). Also called: BRCA1 Hereditary Breast and Ovarian Cancer; OVARIAN CANCER, SUSCEPTIBILITY TO. Identifiers: Orphanet 145, MedGen C2676676, MONDO:0011450, OMIM 604370. Disease mechanism: loss of function.

Allele frequency attached by ClinVar (database versions not stated): TOPMed 0.01335; gnomAD 0.01358 and 0.01402; 1000 Genomes Project 0.00759; 1000 Genomes Project 30x 0.00765.
gnomAD v4.1: 2,064 of 152,190 alleles (1.4%); highest among the groups gnomAD compares: Non-Finnish European, 2.2%; 18 homozygotes.

Submissions (4):

Evidence-based Network for the Interpretation of Germline Mutant Alleles (ENIGMA)
Classification: Benign for Breast-ovarian cancer, familial 1. Last evaluated: 2015-01-12. Review status: reviewed by expert panel. Criteria: ENIGMA BRCA1/2 Classification Criteria (2015). Collection method: curation. Allele origin: germline.
Comment: Class 1 not pathogenic based on frequency >1% in an outbred sampleset. Frequency 0.02902 (European), derived from 1000 genomes (2012-04-30).

GeneDx
Classification: Likely benign. Last evaluated: 2018-06-15. Review status: criteria provided, single submitter. Criteria: GeneDx Variant Classification (06012015). Collection method: clinical testing. Allele origin: germline. Affected: yes. Not counted in ClinVar's aggregate classification.
Comment: This variant is considered likely benign or benign based on one or more of the following criteria: it is a conservative change, it occurs at a poorly conserved position in the protein, it is predicted to be benign by multiple in silico algorithms, and/or has population frequency not consistent with disease.

Ambry Genetics
Classification: Benign for Hereditary cancer-predisposing syndrome. Last evaluated: 2014-11-18. Review status: criteria provided, single submitter. Criteria: Ambry Variant Classification Scheme 2023. Collection method: clinical testing. Allele origin: germline. Not counted in ClinVar's aggregate classification.

Breakthrough Genomics
Classification: Benign. Review status: criteria provided, single submitter. Criteria: ACMG Guidelines, 2015. Collection method: not provided. Allele origin: germline. Inheritance: Autosomal recessive inheritance. Affected: yes. Not counted in ClinVar's aggregate classification.